The following is an entry in ClinVar:

ClinVar aggregate classification (germline): Pathogenic (1 of 4 stars; one submission).

Submission:

Quest Diagnostics Nichols Institute San Juan Capistrano
Classification: Pathogenic. Last evaluated: 2023-01-19. Review status: criteria provided, single submitter. Criteria: ACMG/ClinGen CNV Guidelines, 2019. Collection method: clinical testing. Allele origin: unknown.
Comment: This loss involves numerous protein-coding genes. Deletions of 4q13.3 have been identified in individuals with various phenotypes (Chopra 2021, Maldziene 2020). Heterozygous loss-of-function variants of ANKRD are associated with autosomal dominant Chopra-Amiel-Gordon syndrome (OMIM 619504). Additionally, heterozygous variants of ENAM are associated with autosomal dominant amelogenesis imperfecta type IB (OMIM 104500). Further, there are no similar copy number losses of this region in the general populations of the Database of Genomic Variants. Thus, based on current medical literature and gene content, this copy number variant (CNV) is classified as pathogenic. References: Chopra et al., Am J Hum Genet. 2021 Jun 3;108(6):1138-1150. PMID: 33909992 Maldziene et al., BMC Med Genomics. 2020 Apr 16;13(1):63. PMID: 32299451

GRCh37/hg19 4q13.2-13.3(chr4:69146217-75500577)x1

Genes: ADAMTS3 (ADAM metallopeptidase with thrombospondin type 1 motif 3; minus strand), AFM (afamin; plus strand), AFP (alpha fetoprotein; plus strand), ALB (albumin; plus strand), AMBN (ameloblastin; plus strand) and 55 more. Cytogenetic location: 4q13.2-13.3.
Variant type: copy number loss.
Change: copy number 1 (one copy instead of two) of chr4:69,146,217-75,500,577 (6.35 Mb, GRCh37 coordinates, 1-based), cytogenetic band 4q13.2-13.3.
Identifiers: ClinVar variation 2685114 (VCV002685114.1).